The following is an entry in ClinVar:

ClinVar aggregate classification (germline): Uncertain significance (1 of 4 stars; one submission).

Conditions:
Hereditary spastic paraplegia 7 (SPG7). Also called: SPG7-related neurologic disorder; Autosomal recessive spastic paraplegia type 7; SPASTIC PARAPLEGIA 7, AUTOSOMAL RECESSIVE, WITH OR WITHOUT CEREBELLAR ATAXIA; Spastic paraplegia 7; Hereditary spastic paraplegia Paraplegin type. Identifiers: Orphanet 99013, MedGen C1846564, MONDO:0011803, OMIM 607259.

Submission:

Neuberg Centre For Genomic Medicine, NCGM
Classification: Uncertain significance for Hereditary spastic paraplegia 7. Review status: criteria provided, single submitter. Criteria: ACMG Guidelines, 2015. Collection method: clinical testing. Allele origin: germline. Inheritance: Autosomal dominant inheritance. Affected: yes.
Comment: The missense c.2099A>G(p.Asp700Gly) variant in SPG7 gene has not been reported previously as a pathogenic variant nor as a benign variant, to our knowledge. The p.Asp700Gly variant is novel (not in any individuals) in gnomAD Exomes and 1000 Genomes. The amino acid Asp at position 700 is changed to a Gly changing protein sequence and it might alter its composition and physico-chemical properties. The variant is predicted to be damaging by both SIFT and PolyPhen2. The residue is conserved across species. The amino acid change p.Asp700Gly in SPG7 is predicted as conserved by GERP++ and PhyloP across 100 vertebrates. For these reasons, this variant has been classified as Uncertain Significance.

NM_003119.4(SPG7):c.2099A>G (p.Asp700Gly)

Gene: SPG7 (SPG7 matrix AAA peptidase subunit, paraplegin; plus strand). Cytogenetic location: 16q24.3.
Variant type: single nucleotide variant.
Coding change: c.2099A>G on transcript NM_003119.4 (MANE Select); coding-DNA position 2099, A replaced by G.
Protein change: p.Asp700Gly; replaces aspartic acid 700 with glycine.
Molecular consequence: missense variant.
Genome position (GRCh38, 1-based): chr16:89,553,956, A>G. VCF-style: chr16-89553956-A-G. GRCh37 (hg19) VCF-style: chr16-89620364-A-G.
Other names: c.2099A>G, p.Asp700Gly (NM_001363850.1); short protein forms D700G.
Identifiers: ClinVar variation 2585358 (VCV002585358.1), dbSNP rs2543850307, ClinGen allele CA397434489.
Genomic context (GRCh38, chr16:89,553,956, plus strand): 5'-AGGAGGGCCTCATGGGCATCGGGCGGCGCCCCTTCAGCCAAGGCCTGCAGCAGATGATGG[A>G]CCATGTGAGTCGGCTCTGGCCACACCGCTGCCCTCTGTGCTCCCCGGGGAGGGAGTCCCT-3'
Protein context (NP_003110.1, residues 690-710): PFSQGLQQMM[Asp700Gly]HEARLLVAKA